The following is an entry in ClinVar:

NM_000548.5(TSC2):c.1523C>T (p.Ala508Val)

Gene: TSC2 (TSC complex subunit 2; plus strand). Cytogenetic location: 16p13.3.
Variant type: single nucleotide variant.
Coding change: c.1523C>T on transcript NM_000548.5 (MANE Select); coding-DNA position 1523, C replaced by T.
Protein change: p.Ala508Val; replaces alanine 508 with valine.
Molecular consequence: missense variant.
Genome position (GRCh38, 1-based): chr16:2,064,351, C>T. VCF-style: chr16-2064351-C-T. GRCh37 (hg19) VCF-style: chr16-2114352-C-T.
Other names: c.1523C>T, p.Ala508Val (NM_001077183.3, NM_001114382.3, NM_021055.3 and 6 more transcripts); c.1412C>T, p.Ala471Val (NM_001318827.2, NM_001406670.1, NM_001406678.1); c.1613C>T, p.Ala538Val (NM_001406668.1, NM_001406667.1); c.1511C>T, p.Ala504Val (NM_001406671.1, NM_001406673.1); c.1376C>T, p.Ala459Val (NM_001406675.1, NM_001406676.1, NM_001406679.1 and 1 more transcripts); c.1466C>T, p.Ala489Val (NM_001406677.1); c.923C>T, p.Ala308Val (NM_001406680.1, NM_001406682.1, NM_001406683.1 and 6 more transcripts); c.1061C>T, p.Ala354Val (NM_001406681.1); and 3 more; short protein forms A354V, A471V, A489V, A504V, A519V, A459V, A60V, A308V.
Identifiers: ClinVar variation 2146440 (VCV002146440.6), dbSNP rs1336558090, ClinGen allele CA394326245.

ClinVar aggregate classification (germline): Conflicting classifications of pathogenicity. Review status: criteria provided, conflicting classifications (1 of 4 stars). 2 submissions from 2 submitters: Uncertain significance (1); Benign (1). Last evaluated 2024-04-04.

Conditions:
Hereditary cancer-predisposing syndrome. Also called: Neoplastic Syndromes, Hereditary; Hereditary neoplastic syndrome; Hereditary Cancer Syndrome; Tumor predisposition. Identifiers: Orphanet 140162, MedGen C0027672, MeSH D009386, MONDO:0015356.
Tuberous sclerosis 2 (TSC2). Identifiers: Orphanet 805, MedGen C1860707, MONDO:0013199, OMIM 613254.

Allele frequency attached by ClinVar (database versions not stated): gnomAD exomes below 0.00001.

Submissions (2):

Labcorp Genetics (formerly Invitae), Labcorp
Classification: Benign for Tuberous sclerosis 2. Last evaluated: 2024-04-04. Review status: criteria provided, single submitter. Criteria: Invitae Variant Classification Sherloc (09022015). Collection method: clinical testing. Allele origin: germline.

Ambry Genetics
Classification: Uncertain significance for Hereditary cancer-predisposing syndrome. Last evaluated: 2022-11-15. Review status: criteria provided, single submitter. Criteria: Ambry Variant Classification Scheme 2023. Collection method: clinical testing. Allele origin: germline.
Comment: The p.A508V variant (also known as c.1523C>T), located in coding exon 14 of the TSC2 gene, results from a C to T substitution at nucleotide position 1523. The alanine at codon 508 is replaced by valine, an amino acid with similar properties. This amino acid position is conserved. In addition, this alteration is predicted to be deleterious by in silico analysis. Since supporting evidence is limited at this time, the clinical significance of this alteration remains unclear.